The following is an entry in ClinVar:

ClinVar aggregate classification (germline): Benign/Likely benign. Review status: criteria provided, multiple submitters, no conflicts (2 of 4 stars). 5 submissions from 5 submitters: Benign (1); Likely benign (4). Last evaluated 2025-11-01.

Conditions:
Inborn genetic diseases. Identifiers: MedGen C0950123, MeSH D030342.
Koolen-de Vries syndrome (KDVS). Identifiers: Orphanet 96169, MedGen C1864871, MONDO:0012496, OMIM 610443.

Allele frequency attached by ClinVar (database versions not stated): gnomAD 0.00022 and 0.00023; gnomAD exomes 0.00028 and 0.00036; ExAC 0.00034; ESP Exome Variant Server 0.00054.
gnomAD v4.1: 557 of 1,613,940 alleles (0.035%); highest among the groups gnomAD compares: Non-Finnish European, 0.044%; no homozygotes.

Submissions (5):

CeGaT Center for Human Genetics Tuebingen
Classification: Likely benign. Last evaluated: 2025-11-01. Review status: criteria provided, single submitter. Criteria: CeGaT Center For Human Genetics Tuebingen Variant Classification Criteria Version 2. Collection method: clinical testing. Allele origin: germline. Affected: yes. Observed: 3 variant alleles.
Comment: KANSL1: BP4, BP5

ARUP Laboratories, Molecular Genetics and Genomics, ARUP Laboratories
Classification: Likely benign for Koolen-de Vries syndrome. Last evaluated: 2024-08-27. Review status: criteria provided, single submitter. Criteria: ARUP Molecular Germline Variant Investigation Process 2024. Collection method: clinical testing. Allele origin: germline.

Labcorp Genetics (formerly Invitae), Labcorp
Classification: Benign for Koolen-de Vries syndrome. Last evaluated: 2024-07-15. Review status: criteria provided, single submitter. Criteria: Invitae Variant Classification Sherloc (09022015). Collection method: clinical testing. Allele origin: germline.

Ambry Genetics
Classification: Likely benign for Inborn genetic diseases. Last evaluated: 2024-06-07. Review status: criteria provided, single submitter. Criteria: Ambry Variant Classification Scheme 2023. Collection method: clinical testing. Allele origin: germline.

GeneDx
Classification: Likely benign. Last evaluated: 2019-11-04. Review status: criteria provided, single submitter. Criteria: GeneDx Variant Classification Process June 2021. Collection method: clinical testing. Allele origin: germline. Affected: yes.

NM_015443.4(KANSL1):c.1124C>T (p.Ser375Leu)

Gene: KANSL1 (KAT8 regulatory NSL complex subunit 1). Cytogenetic location: 17q21.31.
Variant type: single nucleotide variant.
Coding change: c.1124C>T on transcript NM_015443.4 (MANE Select); coding-DNA position 1124, C replaced by T.
Protein change: p.Ser375Leu; replaces serine 375 with leucine.
Molecular consequence: missense variant.
Genome position (GRCh38, 1-based): chr17:46,171,020, G>A on the plus strand (C>T on the coding strand, the complement: KANSL1 is on the minus strand). VCF-style: chr17-46171020-G-A. GRCh37 (hg19) VCF-style: chr17-44248386-G-A.
Other names: p.S375L:TCA>TTA; c.1124C>T, p.Ser375Leu (NM_001193465.2, NM_001193466.2, NM_001379198.1); short protein forms S375L.
Identifiers: ClinVar variation 205782 (VCV000205782.42), dbSNP rs142696045, ClinGen allele CA315190.